The following is an entry in ClinVar:

NM_007294.4(BRCA1):c.5193+5G>A

Gene: BRCA1 (BRCA1 DNA repair associated; minus strand). Cytogenetic location: 17q21.31.
Variant type: single nucleotide variant.
Coding change: c.5193+5G>A on transcript NM_007294.4 (MANE Select); 5 bases into the intron after coding-DNA position 5193, G replaced by A.
Molecular consequence: intron variant.
Genome position (GRCh38, 1-based): chr17:43,063,328, C>T on the plus strand (G>A on the coding strand, the complement: BRCA1 is on the minus strand). VCF-style: chr17-43063328-C-T. GRCh37 (hg19) VCF-style: chr17-41215345-C-T.
Other names: c.1740+5G>A (NM_001408458.1, NM_001408461.1, NM_001408464.1 and 7 more transcripts); c.4302+5G>A (NM_001407967.1); c.4812+5G>A (NM_001407959.1); c.4926+5G>A (NM_001407931.1, NM_001407932.1, NM_001407928.1 and 4 more transcripts); c.5049+5G>A (NM_001407747.1, NM_001407745.1, NM_001407737.1 and 21 more transcripts); c.4809+5G>A (NM_001407962.1, NM_001407960.1); c.1380+5G>A (NM_001408512.1); c.1503+5G>A (NM_001408510.1); and 72 more.
Identifiers: ClinVar variation 865106 (VCV000865106.8), dbSNP rs2051852919, ClinGen allele CA913188790.

ClinVar aggregate classification (germline): Uncertain significance. Review status: criteria provided, multiple submitters, no conflicts (2 of 4 stars). 2 submissions from 2 submitters: Uncertain significance (2). Last evaluated 2025-04-07.

Conditions:
Hereditary cancer-predisposing syndrome. Also called: Tumor predisposition; Hereditary Cancer Syndrome; Hereditary neoplastic syndrome; Neoplastic Syndromes, Hereditary. Identifiers: Orphanet 140162, MedGen C0027672, MeSH D009386, MONDO:0015356.

Submissions (3):

Quest Diagnostics Nichols Institute San Juan Capistrano
Classification: Uncertain significance. Last evaluated: 2025-04-07. Review status: criteria provided, single submitter. Criteria: Quest Diagnostics criteria. Collection method: clinical testing. Allele origin: unknown.
Comment: The BRCA1 c.5193+5G>A variant has been reported in the published literature in a functional study with inconclusive results on the effect this variant has on protein function (PMID: 30209399 (2018)). This variant has not been reported in large, multi-ethnic general populations (Genome Aggregation Database). Analysis of this variant using software algorithms for the prediction of the effect of nucleotide changes on BRCA1 mRNA splicing yielded inconclusive findings. Based on the available information, we are unable to determine the clinical significance of this variant.

Color Diagnostics, LLC DBA Color Health
Classification: Uncertain significance for Hereditary cancer-predisposing syndrome. Last evaluated: 2021-10-21. Review status: criteria provided, single submitter. Criteria: ACMG Guidelines, 2015. Collection method: clinical testing. Allele origin: germline.
Comment: This variant causes a conserved G nucleotide substitution to A at the +5 position of intron 18 of the BRCA1 gene. Splice site prediction tools are inconclusive regarding the impact of this variant on RNA splicing. A functional study has reported that this variant does not impact BRCA1 function in a haploid human cell proliferation assay (PMID: 30209399). This variant has not been reported in individuals affected with hereditary cancer in the literature. This variant has not been identified in the general population by the Genome Aggregation Database (gnomAD). The available evidence is insufficient to determine the role of this variant in disease conclusively. Therefore, this variant is classified as a Variant of Uncertain Significance.

Brotman Baty Institute, University of Washington
No classification provided (evidence only). Condition: Breast-ovarian cancer, familial 1. Review status: no classification provided. Collection method: in vitro. Allele origin: not applicable. Functional consequence: functionally_normal. Not counted in ClinVar's aggregate classification.
ClinVar note: "not provided" was previously submitted as the classification for the variant. However, the classification appeared to be based only on an observation of functional data so it was converted to no classification on 2025-07-30.

Literature cited by the submitters: PubMed 30209399 (cited by Quest Diagnostics Nichols Institute San Juan Capistrano and Color Diagnostics, LLC DBA Color Health).